The following is an entry in ClinVar:

NM_033100.4(CDHR1):c.1040del (p.Asn347fs)

Gene: CDHR1 (cadherin related family member 1; plus strand). Cytogenetic location: 10q23.1.
Variant type: Deletion.
Coding change: c.1040del on transcript NM_033100.4 (MANE Select); coding-DNA position 1040, one base deleted (A; older notation c.1040delA).
Protein change: p.Asn347fs; shifts the reading frame from asparagine 347.
Molecular consequence: frameshift variant.
Genome position (GRCh38, 1-based): chr10:84,208,250, A deleted; the last of 2 consecutive A bases (chr10:84,208,249-84,208,250); deleting either gives the same sequence. VCF-style (leftmost placement, unchanged base first): chr10-84208248-CA-C. GRCh37 (hg19) VCF-style: chr10-85968004-CA-C.
Other names: c.1040del, p.Asn347fs (NM_001171971.3); short protein forms N347fs.
Identifiers: ClinVar variation 1962540 (VCV001962540.5), dbSNP rs2492519684, ClinGen allele CA2580082322.

ClinVar aggregate classification (germline): Pathogenic (1 of 4 stars; one submission).

Submission:

Labcorp Genetics (formerly Invitae), Labcorp
Classification: Pathogenic. Last evaluated: 2022-10-24. Review status: criteria provided, single submitter. Criteria: Invitae Variant Classification Sherloc (09022015). Collection method: clinical testing. Allele origin: germline.
Comment: For these reasons, this variant has been classified as Pathogenic. This variant has not been reported in the literature in individuals affected with CDHR1-related conditions. This variant is not present in population databases (gnomAD no frequency). This sequence change creates a premature translational stop signal (p.Asn347Thrfs*21) in the CDHR1 gene. It is expected to result in an absent or disrupted protein product. Loss-of-function variants in CDHR1 are known to be pathogenic (PMID: 23044944, 23591405, 26103963, 26261414).

Literature cited by the submitters: PubMed 23044944; PubMed 23591405; PubMed 26103963; PubMed 26261414.